The following is an entry in ClinVar:

NM_003470.3(USP7):c.37G>A (p.Gly13Ser)

Genes: USP7 (ubiquitin specific peptidase 7; minus strand), USP7-AS1 (USP7 antisense RNA 1; plus strand). Cytogenetic location: 16p13.2.
Variant type: single nucleotide variant.
Coding change: c.37G>A on transcript NM_003470.3 (MANE Select); coding-DNA position 37, G replaced by A.
Protein change: p.Gly13Ser; replaces glycine 13 with serine.
Molecular consequence: missense variant.
Genome position (GRCh38, 1-based): chr16:8,963,249, C>T on the plus strand (G>A on the coding strand, the complement: USP7 is on the minus strand). VCF-style: chr16-8963249-C-T. GRCh37 (hg19) VCF-style: chr16-9057106-C-T.
Other names: short protein forms G13S.
Identifiers: ClinVar variation 2708059 (VCV002708059.3), dbSNP rs2549283505, ClinGen allele CA394693221.

ClinVar aggregate classification (germline): Uncertain significance (1 of 4 stars; one submission).

Allele frequency attached by ClinVar (database versions not stated): gnomAD exomes below 0.00001.
gnomAD v4.1: 1 of 1,385,578 alleles (0.000072%); highest among the groups gnomAD compares: Non-Finnish European, 0.000095%; no homozygotes.

Submission:

Labcorp Genetics (formerly Invitae), Labcorp
Classification: Uncertain significance. Last evaluated: 2024-03-11. Review status: criteria provided, single submitter. Criteria: Invitae Variant Classification Sherloc (09022015). Collection method: clinical testing. Allele origin: germline.
Comment: This sequence change replaces glycine, which is neutral and non-polar, with serine, which is neutral and polar, at codon 13 of the USP7 protein (p.Gly13Ser). This variant is not present in population databases (gnomAD no frequency). This variant has not been reported in the literature in individuals affected with USP7-related conditions. An algorithm developed to predict the effect of missense changes on protein structure and function (PolyPhen-2) suggests that this variant is likely to be tolerated. In summary, the available evidence is currently insufficient to determine the role of this variant in disease. Therefore, it has been classified as a Variant of Uncertain Significance.